The following is an entry in ClinVar:

ClinVar aggregate classification (germline): Likely pathogenic (1 of 4 stars; one submission).

Conditions:
SPG11-related disorder. Also called: SPG11-related condition.

Submission:

PreventionGenetics, part of Exact Sciences
Classification: Likely pathogenic for SPG11-related condition. Last evaluated: 2024-11-08. Review status: criteria provided, single submitter. Criteria: ACMG Guidelines, 2015. Collection method: clinical testing. Allele origin: germline.
Comment: The SPG11 c.3053dupA variant is predicted to result in a frameshift and premature protein termination (p.Asn1018Lysfs*12). To our knowledge, this variant has not been reported in the literature or in a large population database (gnomAD), indicating this variant is rare. Frameshift variants in SPG11 are expected to be pathogenic. This variant is interpreted as likely pathogenic.

NM_025137.4(SPG11):c.3053dup (p.Asn1018fs)

Gene: SPG11 (SPG11 vesicle trafficking associated, spatacsin; minus strand). Cytogenetic location: 15q21.1.
Variant type: Duplication.
Coding change: c.3053dup on transcript NM_025137.4 (MANE Select); coding-DNA position 3053, one base duplicated (A; older notation c.3053dupA).
Protein change: p.Asn1018fs; shifts the reading frame from asparagine 1018.
Molecular consequence: frameshift variant.
Genome position (GRCh38, 1-based): chr15:44,613,522, T duplicated on the plus strand (A on the coding strand, the reverse complement: SPG11 is on the minus strand); the first of 4 consecutive T bases (chr15:44,613,522-44,613,525); duplicating any one gives the same sequence. VCF-style (leftmost placement, unchanged base first): chr15-44613521-A-AT. GRCh37 (hg19) VCF-style: chr15-44905719-A-AT.
Other names: c.3053dup, p.Asn1018fs (NM_001160227.2, NM_001411132.1); short protein forms N1018fs.
Identifiers: ClinVar variation 4998695 (VCV004998695.1).